The following is an entry in ClinVar:

ClinVar aggregate classification (germline): Uncertain significance (1 of 4 stars; one submission).

Conditions:
Neuroblastoma, susceptibility to, 3. Also called: ALK-Related Neuroblastic Tumor Susceptibility. Identifiers: Orphanet 635, MedGen C2751681, MONDO:0013083, OMIM 613014.

Submission:

Labcorp Genetics (formerly Invitae), Labcorp
Classification: Uncertain significance for Neuroblastoma, susceptibility to, 3. Last evaluated: 2019-11-16. Review status: criteria provided, single submitter. Criteria: Invitae Variant Classification Sherloc (09022015). Collection method: clinical testing. Allele origin: germline.
Comment: In summary, the available evidence is currently insufficient to determine the role of this variant in disease. Therefore, it has been classified as a Variant of Uncertain Significance. Algorithms developed to predict the effect of missense changes on protein structure and function output the following: SIFT: "Tolerated"; PolyPhen-2: "Benign"; Align-GVGD: "Class C0". The arginine amino acid residue is found in multiple mammalian species, suggesting that this missense change does not adversely affect protein function. These predictions have not been confirmed by published functional studies and their clinical significance is uncertain. This variant has not been reported in the literature in individuals with ALK-related conditions. This variant is not present in population databases (ExAC no frequency). This sequence change replaces glutamine with arginine at codon 706 of the ALK protein (p.Gln706Arg). The glutamine residue is weakly conserved and there is a small physicochemical difference between glutamine and arginine.

NM_004304.5(ALK):c.2117A>G (p.Gln706Arg)

Gene: ALK (ALK receptor tyrosine kinase; minus strand). Cytogenetic location: 2p23.2.
Variant type: single nucleotide variant.
Coding change: c.2117A>G on transcript NM_004304.5 (MANE Select); coding-DNA position 2117, A replaced by G.
Protein change: p.Gln706Arg; replaces glutamine 706 with arginine.
Molecular consequence: missense variant.
Genome position (GRCh38, 1-based): chr2:29,251,192, T>C on the plus strand (A>G on the coding strand, the complement: ALK is on the minus strand). VCF-style: chr2-29251192-T-C. GRCh37 (hg19) VCF-style: chr2-29474058-T-C.
Other names: short protein forms Q706R.
Identifiers: ClinVar variation 967373 (VCV000967373.9), dbSNP rs1664807502, ClinGen allele CA346476992.